The following is an entry in ClinVar:

NM_001009944.3(PKD1):c.2161G>C (p.Ala721Pro)

Gene: PKD1 (polycystin 1, transient receptor potential channel interacting; minus strand). Cytogenetic location: 16p13.3.
Variant type: single nucleotide variant.
Coding change: c.2161G>C on transcript NM_001009944.3 (MANE Select); coding-DNA position 2161, G replaced by C.
Protein change: p.Ala721Pro; replaces alanine 721 with proline.
Molecular consequence: missense variant.
Genome position (GRCh38, 1-based): chr16:2,114,862, C>G on the plus strand (G>C on the coding strand, the complement: PKD1 is on the minus strand). VCF-style: chr16-2114862-C-G. GRCh37 (hg19) VCF-style: chr16-2164863-C-G.
Other names: c.2161G>C, p.Ala721Pro (NM_000296.4); short protein forms A721P.
Identifiers: ClinVar variation 5038177 (VCV005038177.1).

ClinVar aggregate classification (germline): Uncertain significance (1 of 4 stars; one submission).

Conditions:
Polycystic kidney disease, adult type (PKD1). Also called: Polycystic Kidney Disease 1, Autosomal Dominant; POLYCYSTIC KIDNEY DISEASE, ADULT, TYPE I; Polycystic kidney disease 1; Polycystic kidney disease 1, severe; POLYCYSTIC KIDNEY DISEASE 1 WITH OR WITHOUT POLYCYSTIC LIVER DISEASE; Polycystic Kidney, Autosomal Dominant. Identifiers: MedGen C3149841, MONDO:0008263, OMIM 173900.

Submission:

MVZ Medizinische Genetik Mainz
Classification: Uncertain significance for Polycystic kidney disease, adult type. Last evaluated: 2026-10-08. Review status: criteria provided, single submitter. Criteria: UK Practice Guidelines For Variant Classification V4 01 2020. Collection method: clinical testing. Allele origin: germline. Inheritance: Autosomal dominant inheritance. Affected: yes. Observed: 1 variant allele.
Comment: ACMG Criteria: PM2_SUP, PP4